The following is an entry in ClinVar:

NM_006440.5(TXNRD2):c.361G>A (p.Val121Met)

Gene: TXNRD2 (thioredoxin reductase 2; minus strand). Cytogenetic location: 22q11.21.
Variant type: single nucleotide variant.
Coding change: c.361G>A on transcript NM_006440.5 (MANE Select); coding-DNA position 361, G replaced by A.
Protein change: p.Val121Met; replaces valine 121 with methionine.
Molecular consequence: missense variant. On other transcripts: non-coding transcript variant (1).
Genome position (GRCh38, 1-based): chr22:19,918,873, C>T on the plus strand (G>A on the coding strand, the complement: TXNRD2 is on the minus strand). VCF-style: chr22-19918873-C-T. GRCh37 (hg19) VCF-style: chr22-19906396-C-T.
Other names: c.361G>A (NM_006440.3); c.361G>A, p.Val121Met (NM_001282512.3); c.358G>A, p.Val120Met (NM_001352300.2); c.271G>A, p.Val91Met (NM_001352301.2); c.73G>A, p.Val25Met (NM_001352302.2); c.265G>A, p.Val89Met (NM_001352303.2); short protein forms V120M, V121M, V25M, V89M, V91M.
Identifiers: ClinVar variation 1060189 (VCV001060189.8), dbSNP rs756368327, ClinGen allele CA10104253.

ClinVar aggregate classification (germline): Conflicting classifications of pathogenicity. Review status: criteria provided, conflicting classifications (1 of 4 stars). 2 submissions from 2 submitters: Uncertain significance (1); Likely benign (1). Last evaluated 2026-03-25.

Conditions:
Cardiovascular phenotype. Identifiers: MedGen CN230736.
Primary dilated cardiomyopathy (DCM). Also called: Dilated Cardiomyopathy. Identifiers: Orphanet 217604, MedGen C0007193, MeSH D002311, MONDO:0005021, HP:0001644. Inheritance: Various modes of inheritance.

Allele frequency attached by ClinVar (database versions not stated): gnomAD exomes 0.00001 and 0.00002; TOPMed 0.00001; gnomAD 0.00001; ExAC 0.00002.
gnomAD v4.1: 20 of 1,609,328 alleles (0.0012%); highest among the groups gnomAD compares: East Asian, 0.02%; no homozygotes.

Submissions (2):

Ambry Genetics
Classification: Likely benign for Cardiovascular phenotype. Last evaluated: 2026-03-25. Review status: criteria provided, single submitter. Criteria: Ambry Variant Classification Scheme 2023. Collection method: clinical testing. Allele origin: germline.

Labcorp Genetics (formerly Invitae), Labcorp
Classification: Uncertain significance for Primary dilated cardiomyopathy. Last evaluated: 2020-08-07. Review status: criteria provided, single submitter. Criteria: Invitae Variant Classification Sherloc (09022015). Collection method: clinical testing. Allele origin: germline.
Comment: This sequence change replaces valine with methionine at codon 121 of the TXNRD2 protein (p.Val121Met). The valine residue is moderately conserved and there is a small physicochemical difference between valine and methionine. In summary, the available evidence is currently insufficient to determine the role of this variant in disease. Therefore, it has been classified as a Variant of Uncertain Significance. Algorithms developed to predict the effect of missense changes on protein structure and function are either unavailable or do not agree on the potential impact of this missense change (SIFT: "Deleterious"; PolyPhen-2: "Benign"; Align-GVGD: "Class C0"). This variant has not been reported in the literature in individuals with TXNRD2-related conditions. This variant is present in population databases (rs756368327, ExAC 0.01%).